The following is an entry in ClinVar:

NM_024675.4(PALB2):c.503C>G (p.Ser168Ter)

Gene: PALB2 (partner and localizer of BRCA2; minus strand). Cytogenetic location: 16p12.2.
Variant type: single nucleotide variant.
Coding change: c.503C>G on transcript NM_024675.4 (MANE Select); coding-DNA position 503, C replaced by G.
Protein change: p.Ser168Ter; replaces serine 168 with a stop codon.
Molecular consequence: nonsense.
Genome position (GRCh38, 1-based): chr16:23,636,043, G>C on the plus strand (C>G on the coding strand, the complement: PALB2 is on the minus strand). VCF-style: chr16-23636043-G-C. GRCh37 (hg19) VCF-style: chr16-23647364-G-C.
Other names: short protein forms S168*.
Identifiers: ClinVar variation 925447 (VCV000925447.11), dbSNP rs515726122, ClinGen allele CA395137032.

ClinVar aggregate classification (germline): Pathogenic. Review status: criteria provided, multiple submitters, no conflicts (2 of 4 stars). 5 submissions from 5 submitters: Pathogenic (5). Last evaluated 2024-12-17.

Conditions:
Familial cancer of breast. Also called: BREAST CANCER, FAMILIAL; Hereditary breast cancer; hereditary breast carcinoma. Identifiers: Orphanet 227535, MedGen C0346153, MONDO:0016419, OMIM 114480. Disease mechanism: loss of function.
Breast-ovarian cancer, familial, susceptibility to, 5 (BROVCA5). Identifiers: MedGen C5830615, MONDO:0957530, OMIM 620442.
Hereditary cancer-predisposing syndrome. Also called: Neoplastic Syndromes, Hereditary; Tumor predisposition; Hereditary neoplastic syndrome; Hereditary Cancer Syndrome. Identifiers: Orphanet 140162, MedGen C0027672, MeSH D009386, MONDO:0015356.

gnomAD v4.1: 2 of 1,614,060 alleles (0.00012%); highest among the groups gnomAD compares: Non-Finnish European, 0.00017%; no homozygotes.

Submissions (5):

Labcorp Genetics (formerly Invitae), Labcorp
Classification: Pathogenic for Familial cancer of breast. Last evaluated: 2024-12-17. Review status: criteria provided, single submitter. Criteria: Invitae Variant Classification Sherloc (09022015). Collection method: clinical testing. Allele origin: germline.
Comment: This sequence change creates a premature translational stop signal (p.Ser168*) in the PALB2 gene. It is expected to result in an absent or disrupted protein product. Loss-of-function variants in PALB2 are known to be pathogenic (PMID: 17200668, 17200671, 17200672, 24136930, 25099575). This variant is not present in population databases (gnomAD no frequency). This variant has not been reported in the literature in individuals affected with PALB2-related conditions. ClinVar contains an entry for this variant (Variation ID: 925447). For these reasons, this variant has been classified as Pathogenic.

Myriad Genetics, Inc.
Classification: Pathogenic for Familial cancer of breast. Last evaluated: 2023-09-06. Review status: criteria provided, single submitter. Criteria: Myriad Autosomal Dominant, Autosomal Recessive and X-Linked Classification Criteria (2023). Collection method: clinical testing. Allele origin: unknown.
Comment: This variant is considered pathogenic. This variant creates a termination codon and is predicted to result in premature protein truncation.

Ambry Genetics
Classification: Pathogenic for Hereditary cancer-predisposing syndrome. Last evaluated: 2022-03-07. Review status: criteria provided, single submitter. Criteria: Ambry Variant Classification Scheme 2023. Collection method: clinical testing. Allele origin: germline.
Comment: The p.S168* pathogenic mutation (also known as c.503C>G), located in coding exon 4 of the PALB2 gene, results from a C to G substitution at nucleotide position 503. This changes the amino acid from a serine to a stop codon within coding exon 4. This variant is considered to be rare based on population cohorts in the Genome Aggregation Database (gnomAD). This alteration is expected to result in loss of function by premature protein truncation or nonsense-mediated mRNA decay. As such, this alteration is interpreted as a disease-causing mutation.

Color Diagnostics, LLC DBA Color Health
Classification: Pathogenic for Hereditary cancer-predisposing syndrome. Last evaluated: 2020-04-07. Review status: criteria provided, single submitter. Criteria: ACMG Guidelines, 2015. Collection method: clinical testing. Allele origin: germline.
Comment: This variant changes 1 nucleotide in exon 4 of the PALB2 gene, creating a premature translation stop signal. This variant is expected to result in an absent or non-functional protein product. To our knowledge, this variant has not been reported in individuals affected with hereditary cancer in the literature. This variant has not been identified in the general population by the Genome Aggregation Database (gnomAD). Loss of PALB2 function is a known mechanism of disease. Based on the available evidence, this variant is classified as Pathogenic.

Juno Genomics, Hangzhou Juno Genomics, Inc
Classification: Pathogenic for Breast-ovarian cancer, familial, susceptibility to, 5. Review status: criteria provided, single submitter. Criteria: ACMG Guidelines, 2015. Collection method: clinical testing. Allele origin: germline.
Comment: Absent from controls (or at extremely low frequency if recessive) in Genome Aggregation Database.;Null variant in a gene where loss of function (LOF) is a known mechanism of disease.;Novel missense change at an amino acid residue where a different missense change determined to be pathogenic has been seen before.

Literature cited by the submitters: PubMed 17200668 (cited by Labcorp Genetics (formerly Invitae), Labcorp); PubMed 17200671 (cited by Labcorp Genetics (formerly Invitae), Labcorp); PubMed 17200672 (cited by Labcorp Genetics (formerly Invitae), Labcorp); PubMed 24136930 (cited by Labcorp Genetics (formerly Invitae), Labcorp); PubMed 25099575 (cited by Labcorp Genetics (formerly Invitae), Labcorp).